The following is an entry in ClinVar:

ClinVar aggregate classification (germline): Benign. Review status: criteria provided, multiple submitters, no conflicts (2 of 4 stars). 2 submissions from 2 submitters: Benign (2). Last evaluated 2018-06-19.

Allele frequency attached by ClinVar (database versions not stated): TOPMed 0.68115; gnomAD 0.68138 and 0.68394; 1000 Genomes Project 0.73023; 1000 Genomes Project 30x 0.73079.
gnomAD v4.1: 103,864 of 152,116 alleles (68%); highest among the groups gnomAD compares: East Asian, 78%; 35,807 homozygotes.

Submissions (2):

GeneDx
Classification: Benign. Last evaluated: 2018-06-19. Review status: criteria provided, single submitter. Criteria: GeneDx Variant Classification (06012015). Collection method: clinical testing. Allele origin: germline. Affected: yes.
Comment: This variant is considered likely benign or benign based on one or more of the following criteria: it is a conservative change, it occurs at a poorly conserved position in the protein, it is predicted to be benign by multiple in silico algorithms, and/or has population frequency not consistent with disease.

Breakthrough Genomics
Classification: Benign. Review status: criteria provided, single submitter. Criteria: ACMG Guidelines, 2015. Collection method: not provided. Allele origin: germline. Inheritance: Autosomal dominant inheritance. Affected: yes.

NM_017780.4(CHD7):c.5665+198A>G

Gene: CHD7 (chromodomain helicase DNA binding protein 7; plus strand). Cytogenetic location: 8q12.2.
Variant type: single nucleotide variant.
Coding change: c.5665+198A>G on transcript NM_017780.4 (MANE Select); 198 bases into the intron after coding-DNA position 5665, A replaced by G.
Molecular consequence: intron variant.
Genome position (GRCh38, 1-based): chr8:60,851,517, A>G. VCF-style: chr8-60851517-A-G. GRCh37 (hg19) VCF-style: chr8-61764076-A-G.
Other names: c.1717-10712A>G (NM_001316690.1).
Identifiers: ClinVar variation 676811 (VCV000676811.2), dbSNP rs4342642, ClinGen allele CA177353550.